The following is an entry in ClinVar:

ClinVar aggregate classification (germline): Uncertain significance (1 of 4 stars; one submission).

Conditions:
Hereditary cancer-predisposing syndrome. Also called: Neoplastic Syndromes, Hereditary; Tumor predisposition; Hereditary Cancer Syndrome; Hereditary neoplastic syndrome. Identifiers: Orphanet 140162, MedGen C0027672, MeSH D009386, MONDO:0015356.

Submission:

Ambry Genetics
Classification: Uncertain significance for Hereditary cancer-predisposing syndrome. Last evaluated: 2020-12-17. Review status: criteria provided, single submitter. Criteria: Ambry Variant Classification Scheme 2023. Collection method: clinical testing. Allele origin: germline.
Comment: The p.N290K variant (also known as c.870C>G), located in coding exon 7 of the CHEK2 gene, results from a C to G substitution at nucleotide position 870. The asparagine at codon 290 is replaced by lysine, an amino acid with similar properties. This amino acid position is poorly conserved in available vertebrate species. In addition, this alteration is predicted to be tolerated by in silico analysis. Since supporting evidence is limited at this time, the clinical significance of this alteration remains unclear.

NM_007194.4(CHEK2):c.870C>G (p.Asn290Lys)

Gene: CHEK2 (checkpoint kinase 2; minus strand). Cytogenetic location: 22q12.1.
Variant type: single nucleotide variant.
Coding change: c.870C>G on transcript NM_007194.4 (MANE Select); coding-DNA position 870, C replaced by G.
Protein change: p.Asn290Lys; replaces asparagine 290 with lysine.
Molecular consequence: missense variant.
Genome position (GRCh38, 1-based): chr22:28,703,543, G>C on the plus strand (C>G on the coding strand, the complement: CHEK2 is on the minus strand). VCF-style: chr22-28703543-G-C. GRCh37 (hg19) VCF-style: chr22-29099531-G-C.
Other names: c.999C>G, p.Asn333Lys (NM_001005735.3); c.207C>G, p.Asn69Lys (NM_001257387.3); c.669C>G, p.Asn223Lys (NM_001349956.3); c.870C>G, p.Asn290Lys (NM_145862.3); short protein forms N223K, N69K, N290K, N333K.
Identifiers: ClinVar variation 1764389 (VCV001764389.2), dbSNP rs2052980129, ClinGen allele CA411101193.
Genomic context (GRCh38, chr22:28,703,543, plus strand): 5'-TTTTAAAAAGTTTACTACTTACAATTCCAAAACAATATAATAATCTTCTGCATCAAAAAA[G>C]TTTTTAATCTTGATGATGCAAGGCTAAGAAGAGGGGGAGAAAAAAGGGAAAGTAGTGAGA-3'
Protein context (NP_009125.1, residues 280-300): LNHPCIIKIK[Asn290Lys]FFDAEDYYIV